The following is an entry in ClinVar:

NM_020699.4(GATAD2B):c.730G>A (p.Gly244Ser)

Gene: GATAD2B (GATA zinc finger domain containing 2B; minus strand). Cytogenetic location: 1q21.3.
Variant type: single nucleotide variant.
Coding change: c.730G>A on transcript NM_020699.4 (MANE Select); coding-DNA position 730, G replaced by A.
Protein change: p.Gly244Ser; replaces glycine 244 with serine.
Molecular consequence: missense variant.
Genome position (GRCh38, 1-based): chr1:153,817,542, C>T on the plus strand (G>A on the coding strand, the complement: GATAD2B is on the minus strand). VCF-style: chr1-153817542-C-T. GRCh37 (hg19) VCF-style: chr1-153790018-C-T.
Other names: short protein forms G244S.
Identifiers: ClinVar variation 1310750 (VCV001310750.2), dbSNP rs1373605897, ClinGen allele CA342531125.

ClinVar aggregate classification (germline): Uncertain significance (1 of 4 stars; one submission).

Allele frequency attached by ClinVar (database versions not stated): TOPMed below 0.00001; gnomAD 0.00001.

Submission:

GeneDx
Classification: Uncertain significance. Last evaluated: 2019-11-30. Review status: criteria provided, single submitter. Criteria: GeneDx Variant Classification Process June 2021. Collection method: clinical testing. Allele origin: germline. Affected: yes.
Comment: Not observed in large population cohorts (Lek et al., 2016); In silico analysis, which includes protein predictors and evolutionary conservation, supports that this variant does not alter protein structure/function; Has not been previously published as pathogenic or benign to our knowledge